The following is an entry in ClinVar:

NM_000261.2(MYOC):c.57G>T (p.Gln19His)

Gene: MYOC (myocilin; minus strand). Cytogenetic location: 1q24.3.
Variant type: single nucleotide variant.
Coding change: c.57G>T on transcript NM_000261.2 (MANE Select); coding-DNA position 57, G replaced by T.
Protein change: p.Gln19His; replaces glutamine 19 with histidine.
Molecular consequence: missense variant.
Genome position (GRCh38, 1-based): chr1:171,652,555, C>A on the plus strand (G>T on the coding strand, the complement: MYOC is on the minus strand). VCF-style: chr1-171652555-C-A. GRCh37 (hg19) VCF-style: chr1-171621695-C-A.
Other names: NM_000261.2:c.57G>T; short protein forms Q19H.
Identifiers: ClinVar variation 1684937 (VCV001684937.3), dbSNP rs2234925, ClinGen allele CA1244336.
Genomic context (GRCh38, chr1:171,652,555, plus strand): 5'-CTTCCTGAGCTGAGCTGTCCTGGCCCCCACATCCCACACCAGGCAGGCCAGAAGCAGCAG[C>A]TGGACAGCTGGCATCTCAGGCCCAAAGCTGCAGCAACGTGCACAGAAGAACCTCATTGCA-3'
Protein context (NP_000252.1, residues 9-29): CSFGPEMPAV[Gln19His]LLLLACLVWD

ClinVar aggregate classification (germline): Likely benign. Review status: reviewed by expert panel (3 of 4 stars). 2 submissions from 2 submitters: Likely benign (1). 1 of the submissions does not count toward it. Last evaluated 2026-01-12.

Conditions:
Open-angle glaucoma. Identifiers: MedGen C0017612, MONDO:0005338, HP:0012108.

Allele frequency attached by ClinVar (database versions not stated): 1000 Genomes Project 30x 0.00094; 1000 Genomes Project 0.00120.

Submissions (2):

ClinGen Glaucoma Variant Curation Expert Panel
Classification: Likely benign for Open-angle glaucoma. Last evaluated: 2026-01-12. Review status: reviewed by expert panel. Criteria: ClinGen Glaucoma ACMG Specifications V2.0.0 Approved. Collection method: curation. Allele origin: germline. Inheritance: Autosomal dominant inheritance.
Comment: The c.57G>T variant in MYOC is a missense variant predicted to cause substitution of Glutamine by Histidine at amino acid 19 (p.Gln19His). The highest minor allele frequency of this variant was in the East Asian genetic ancestry group of gnomAD (v4.1.0) = 0.003208, which met the ≥ 0.001 threshold set for BS1 (144 alleles out of 44,882, meeting the threshold of ≥ 5 of at least 2,000 observed alleles). The REVEL score = 0.256, which is within the 0.184-0.290 range for BP4, suggesting that the variant does not impact MYOC function. There was no functional evidence predicting a damaging or benign impact of this variant on MYOC function. As BS1 was met, PP1 did not apply and segregations were not counted. Although probands with primary open angle glaucoma have been reported carrying this variant, PM2_Supporting was not met, therefore PS4 did not apply. In summary, this variant met the criteria to receive a score of -5 and to be classified as likely benign (likely benign classification range -2 to -6, adapted from PMID: 32720330) for primary open angle glaucoma based on the ACMG/AMP criteria met, as specified by the ClinGen Glaucoma VCEP (v2.0.0, 5 Dec 2024): BS1, BP4

Mendelics
Classification: Uncertain significance. Last evaluated: 2022-05-04. Review status: criteria provided, single submitter. Criteria: Mendelics Assertion Criteria 2019. Collection method: clinical testing. Allele origin: germline. Not counted in ClinVar's aggregate classification.